The following is an entry in ClinVar:

NM_006846.4(SPINK5):c.882+159G>A

Gene: SPINK5 (serine peptidase inhibitor Kazal type 5; plus strand). Cytogenetic location: 5q32.
Variant type: single nucleotide variant.
Coding change: c.882+159G>A on transcript NM_006846.4 (MANE Select); 159 bases into the intron after coding-DNA position 882, G replaced by A.
Molecular consequence: intron variant.
Genome position (GRCh38, 1-based): chr5:148,096,064, G>A. VCF-style: chr5-148096064-G-A. GRCh37 (hg19) VCF-style: chr5-147475627-G-A.
Other names: c.882+159G>A (NM_001127698.2, NM_001127699.2).
Identifiers: ClinVar variation 673297 (VCV000673297.1), dbSNP rs62388364, ClinGen allele CA128914551.

ClinVar aggregate classification (germline): Benign (1 of 4 stars; one submission).

Allele frequency attached by ClinVar (database versions not stated): gnomAD 0.74988 and 0.74556; TOPMed 0.76378; 1000 Genomes Project 30x 0.84213.
gnomAD v4.1: 113,422 of 151,490 alleles (75%); highest among the groups gnomAD compares: African/African-American, 92%; 43,690 homozygotes.

Submission:

GeneDx
Classification: Benign. Last evaluated: 2018-06-14. Review status: criteria provided, single submitter. Criteria: GeneDx Variant Classification (06012015). Collection method: clinical testing. Allele origin: germline. Affected: yes.
Comment: This variant is considered likely benign or benign based on one or more of the following criteria: it is a conservative change, it occurs at a poorly conserved position in the protein, it is predicted to be benign by multiple in silico algorithms, and/or has population frequency not consistent with disease.